The following is an entry in ClinVar:

ClinVar aggregate classification (germline): Uncertain significance. Review status: criteria provided, multiple submitters, no conflicts (2 of 4 stars). 2 submissions from 2 submitters: Uncertain significance (2). Last evaluated 2024-12-23.

Allele frequency attached by ClinVar (database versions not stated): gnomAD exomes below 0.00001; gnomAD 0.00001; TOPMed 0.00003.
gnomAD v4.1: 3 of 1,613,958 alleles (0.00019%); highest among the groups gnomAD compares: African/African-American, 0.0013%; no homozygotes.

Submissions (2):

Labcorp Genetics (formerly Invitae), Labcorp
Classification: Uncertain significance. Last evaluated: 2024-12-23. Review status: criteria provided, single submitter. Criteria: Invitae Variant Classification Sherloc (09022015). Collection method: clinical testing. Allele origin: germline.
Comment: This sequence change replaces valine, which is neutral and non-polar, with leucine, which is neutral and non-polar, at codon 1392 of the COL11A2 protein (p.Val1392Leu). This variant is not present in population databases (gnomAD no frequency). This variant has not been reported in the literature in individuals affected with COL11A2-related conditions. ClinVar contains an entry for this variant (Variation ID: 1312846). Invitae Evidence Modeling of protein sequence and biophysical properties (such as structural, functional, and spatial information, amino acid conservation, physicochemical variation, residue mobility, and thermodynamic stability) indicates that this missense variant is not expected to disrupt COL11A2 protein function with a negative predictive value of 95%. In summary, the available evidence is currently insufficient to determine the role of this variant in disease. Therefore, it has been classified as a Variant of Uncertain Significance.

GeneDx
Classification: Uncertain significance. Last evaluated: 2020-06-29. Review status: criteria provided, single submitter. Criteria: GeneDx Variant Classification Process June 2021. Collection method: clinical testing. Allele origin: germline. Affected: yes.
Comment: Not observed in large population cohorts (Lek et al., 2016); In silico analysis supports that this missense variant does not alter protein structure/function; Has not been previously published as pathogenic or benign to our knowledge

NM_080680.3(COL11A2):c.4174G>C (p.Val1392Leu)

Gene: COL11A2 (collagen type XI alpha 2 chain; minus strand). Cytogenetic location: 6p21.32.
Variant type: single nucleotide variant.
Coding change: c.4174G>C on transcript NM_080680.3 (MANE Select); coding-DNA position 4174, G replaced by C.
Protein change: p.Val1392Leu; replaces valine 1392 with leucine.
Molecular consequence: missense variant.
Genome position (GRCh38, 1-based): chr6:33,167,266, C>G on the plus strand (G>C on the coding strand, the complement: COL11A2 is on the minus strand). VCF-style: chr6-33167266-C-G. GRCh37 (hg19) VCF-style: chr6-33135043-C-G.
Other names: c.3853G>C, p.Val1285Leu (NM_080679.3); c.3916G>C, p.Val1306Leu (NM_080681.3); short protein forms V1285L, V1306L, V1392L.
Identifiers: ClinVar variation 1312846 (VCV001312846.4), dbSNP rs1769285590, ClinGen allele CA363622401.